The following is an entry in ClinVar:

ClinVar aggregate classification (germline): Pathogenic. Review status: criteria provided, single submitter (1 of 4 stars). 3 submissions from 3 submitters: Pathogenic (1). 2 of the submissions do not count toward it. Last evaluated 2024-02-07.

Conditions:
FLT4-related disorder. Also called: FLT4-related condition.
Hereditary lymphedema type I (LMPHM1). Also called: LYMPHATIC MALFORMATION 1; Nonne-Milroy disease; Congenital hereditary lymphedema; Early onset lymphedema; Hereditary lymphedema 1; Primary congenital lymphedema. Identifiers: Orphanet 79452, MedGen C1704423, MONDO:0007919, OMIM 153100.

Submissions (3):

GeneDx
Classification: Pathogenic. Last evaluated: 2024-02-07. Review status: criteria provided, single submitter. Criteria: GeneDx Variant Classification Process June 2021. Collection method: clinical testing. Allele origin: germline. Affected: yes.
Comment: In silico analysis supports that this missense variant has a deleterious effect on protein structure/function; Not observed at significant frequency in large population cohorts (gnomAD); This variant is associated with the following publications: (PMID: 10835628, 11114740, 17250670, 19002718, 12960217, 23074044)

PreventionGenetics, part of Exact Sciences
Classification: Pathogenic for FLT4-related condition. Last evaluated: 2024-03-07. Review status: no assertion criteria provided. Collection method: clinical testing. Allele origin: germline. Not counted in ClinVar's aggregate classification.
Comment: The FLT4 c.3122G>C variant is predicted to result in the amino acid substitution p.Arg1041Pro. This variant has been reported in individuals with primary lymphoedema in a segregation study and the functional study showed that this variant results in encoded protein with an inactive tyrosine kinase and preventing downstream gene activation (Karkkainen et al. 2000. PubMed ID: 10835628). Additionally, different missense substitutions at this same codon (p.Arg1041Trp and p.Arg1041Gln) have been reported in individuals with primary lymphoedema (Evans et al. 2003. PubMed ID: 12960217; Liu et al. 2021. PubMed ID: 34681005) suggesting that substitution of amino acid residue p.Arg1041 is not tolerated. This variant has not been reported in a large population database, indicating this variant is rare. This variant is interpreted as pathogenic.

OMIM
Classification: Pathogenic for LYMPHATIC MALFORMATION 1. Last evaluated: 2000-06-01. Review status: no assertion criteria provided. Collection method: literature only. Allele origin: germline. Not counted in ClinVar's aggregate classification.

Literature cited by the submitters: PubMed 10835628 (cited by OMIM).

NM_182925.5(FLT4):c.3122G>C (p.Arg1041Pro)

Gene: FLT4 (fms related receptor tyrosine kinase 4; minus strand). Cytogenetic location: 5q35.3.
Variant type: single nucleotide variant.
Coding change: c.3122G>C on transcript NM_182925.5 (MANE Select); coding-DNA position 3122, G replaced by C.
Protein change: p.Arg1041Pro; replaces arginine 1041 with proline.
Molecular consequence: missense variant.
Genome position (GRCh38, 1-based): chr5:180,616,464, C>G on the plus strand (G>C on the coding strand, the complement: FLT4 is on the minus strand). VCF-style: chr5-180616464-C-G. GRCh37 (hg19) VCF-style: chr5-180043464-C-G.
Other names: c.3122G>C (NM_182925.4); c.3122G>C, p.Arg1041Pro (NM_001354989.2, NM_002020.5); short protein forms R1041P.
Identifiers: ClinVar variation 16260 (VCV000016260.3), dbSNP rs121909650, ClinGen allele CA257465.